The following is an entry in ClinVar:

NM_001148.6(ANK2):c.11774A>C (p.Gln3925Pro)

Gene: ANK2 (ankyrin 2; plus strand). Cytogenetic location: 4q26.
Variant type: single nucleotide variant.
Coding change: c.11774A>C on transcript NM_001148.6 (MANE Select); coding-DNA position 11774, A replaced by C.
Protein change: p.Gln3925Pro; replaces glutamine 3925 with proline.
Molecular consequence: missense variant. On other transcripts: intron variant (9).
Genome position (GRCh38, 1-based): chr4:113,373,364, A>C. VCF-style: chr4-113373364-A-C. GRCh37 (hg19) VCF-style: chr4-114294520-A-C.
Other names: c.5531A>C, p.Gln1844Pro (NM_001354225.2); c.5513A>C, p.Gln1838Pro (NM_001354228.2); c.5498A>C, p.Gln1833Pro (NM_001354230.2); c.5654A>C, p.Gln1885Pro (NM_001354231.2); c.5648A>C, p.Gln1883Pro (NM_001354232.2); c.5609A>C, p.Gln1870Pro (NM_001354235.2); c.5417A>C, p.Gln1806Pro (NM_001354236.2); c.5597A>C, p.Gln1866Pro (NM_001354237.2); and 51 more; short protein forms Q1016P, Q1023P, Q1028P, Q1679P, Q1712P, Q1740P, Q1745P, Q1753P.
Identifiers: ClinVar variation 1330639 (VCV001330639.8), dbSNP rs2154074804, ClinGen allele CA357943686.
Genomic context (GRCh38, chr4:113,373,364, plus strand): 5'-GGCGGTATGTATCCTCTGAAGGCACAGAGAAAGAAGAGATTATGGTGCAGGGAATGCCAC[A>C]GGAACCTGTCAACATCGAGGAAGGGGATGGCTATTCCAAAGTTATAAAGCGTGTTGTATT-3'
Protein context (NP_001139.3, residues 3915-3935): KEEIMVQGMP[Gln3925Pro]EPVNIEEGDG

ClinVar aggregate classification (germline): Uncertain significance. Review status: criteria provided, multiple submitters, no conflicts (2 of 4 stars). 2 submissions from 2 submitters: Uncertain significance (2). Last evaluated 2025-10-05.

Conditions:
Cardiovascular phenotype. Identifiers: MedGen CN230736.

gnomAD v4.1: 1 of 1,614,206 alleles (0.000062%); highest among the groups gnomAD compares: African/African-American, 0.0013%; no homozygotes.

Submissions (2):

Ambry Genetics
Classification: Uncertain significance for Cardiovascular phenotype. Last evaluated: 2025-10-05. Review status: criteria provided, single submitter. Criteria: Ambry Variant Classification Scheme 2023. Collection method: clinical testing. Allele origin: germline.
Comment: The p.Q3925P variant (also known as c.11774A>C), located in coding exon 45 of the ANK2 gene, results from an A to C substitution at nucleotide position 11774. The glutamine at codon 3925 is replaced by proline, an amino acid with similar properties. This amino acid position is conserved. In addition, the in silico prediction for this alteration is inconclusive. Based on the available evidence, the clinical significance of this variant remains unclear.

ARUP Laboratories, Molecular Genetics and Genomics, ARUP Laboratories
Classification: Uncertain significance. Last evaluated: 2020-10-01. Review status: criteria provided, single submitter. Criteria: ARUP Molecular Germline Variant Investigation Process 2021. Collection method: clinical testing. Allele origin: germline.
Comment: The ANK2 c.11774A>C; p.Gln3925Pro variant, to our knowledge, is not reported in the medical literature or gene-specific databases. This variant is also absent from general population databases (Exome Variant Server, Genome Aggregation Database), indicating it is not a common polymorphism. The glutamine at codon 3925 is moderately conserved, and computational analyses (SIFT: damaging, PolyPhen-2: benign) predict conflicting effects of this variant on protein structure/function. However, due to limited information, the clinical significance of the p.Gln3925Pro variant is uncertain at this time.